The following is an entry in ClinVar:

NM_130384.3(ATRIP):c.1580G>A (p.Arg527Lys)

Genes: ATRIP (ATR interacting protein; plus strand), ATRIP-TREX1 (ATRIP-TREX1 readthrough; plus strand). Cytogenetic location: 3p21.31.
Variant type: single nucleotide variant.
Coding change: c.1580G>A on transcript NM_130384.3 (MANE Select); coding-DNA position 1580, G replaced by A.
Protein change: p.Arg527Lys; replaces arginine 527 with lysine.
Molecular consequence: missense variant. On other transcripts: non-coding transcript variant (1).
Genome position (GRCh38, 1-based): chr3:48,460,634, G>A. VCF-style: chr3-48460634-G-A. GRCh37 (hg19) VCF-style: chr3-48502033-G-A.
Other names: c.1199G>A, p.Arg400Lys (NM_001271022.2); c.1301G>A, p.Arg434Lys (NM_001271023.2); c.1580G>A, p.Arg527Lys (NM_032166.4); short protein forms R434K, R527K, R400K.
Identifiers: ClinVar variation 4644519 (VCV004644519.1).

ClinVar aggregate classification (germline): Uncertain significance (1 of 4 stars; one submission).

gnomAD v4.1: 2 of 1,614,162 alleles (0.00012%); highest among the groups gnomAD compares: Non-Finnish European, 0.00017%; no homozygotes.

Submission:

Ambry Genetics
Classification: Uncertain significance. Last evaluated: 2025-09-28. Review status: criteria provided, single submitter. Criteria: Ambry Variant Classification Scheme 2023. Collection method: clinical testing. Allele origin: germline.
Comment: The p.R527K variant (also known as c.1580G>A), located in coding exon 8 of the ATRIP gene, results from a G to A substitution at nucleotide position 1580. The arginine at codon 527 is replaced by lysine, an amino acid with highly similar properties. This amino acid position is conserved. In addition, this alteration is predicted to be tolerated by in silico analysis. Based on the available evidence, the clinical significance of this variant remains unclear.